The following is an entry in ClinVar:

NM_000138.5(FBN1):c.3464-6C>T

Gene: FBN1 (fibrillin 1; minus strand). Cytogenetic location: 15q21.1.
Variant type: single nucleotide variant.
Coding change: c.3464-6C>T on transcript NM_000138.5 (MANE Select); 6 bases into the intron before coding-DNA position 3464, C replaced by T.
Molecular consequence: intron variant.
Genome position (GRCh38, 1-based): chr15:48,487,206, G>A on the plus strand (C>T on the coding strand, the complement: FBN1 is on the minus strand). VCF-style: chr15-48487206-G-A. GRCh37 (hg19) VCF-style: chr15-48779403-G-A.
Identifiers: ClinVar variation 196159 (VCV000196159.24), dbSNP rs375596551, ClinGen allele CA014174.

ClinVar aggregate classification (germline): Conflicting classifications of pathogenicity. Review status: criteria provided, conflicting classifications (1 of 4 stars). 9 submissions from 9 submitters: Uncertain significance (1); Likely benign (8). Last evaluated 2026-07-21.

Conditions:
Marfan syndrome (MFS). Also called: Marfan syndrome, classic; FBN1-Related Marfan Syndrome; Marfan syndrome type 1; Marfan's syndrome; MARFAN SYNDROME, TYPE I. Identifiers: Orphanet 284963, Orphanet 558, MedGen C0024796, MONDO:0007947, OMIM 154700.
Familial thoracic aortic aneurysm and aortic dissection (TAAD). Also called: Thoracic aortic aneurysms and dissections. Identifiers: Orphanet 91387, MedGen C4707243, MONDO:0019625.
FBN1-related disorder. Also called: FBN1-related disorders.

Allele frequency attached by ClinVar (database versions not stated): gnomAD exomes 0.00006 and 0.00010; TOPMed 0.00020; ESP Exome Variant Server 0.00038; gnomAD 0.00006; ExAC 0.00013.
gnomAD v4.1: 114 of 1,614,026 alleles (0.0071%); highest among the groups gnomAD compares: African/African-American, 0.049%; no homozygotes.

Submissions (9):

PreventionGenetics, part of Exact Sciences
Classification: Likely benign for FBN1-related condition. Last evaluated: 2026-07-21. Review status: criteria provided, single submitter. Criteria: ACMG Guidelines, 2015. Collection method: clinical testing. Allele origin: germline.
Comment: This variant is classified as likely benign based on ACMG/AMP sequence variant interpretation guidelines (Richards et al. 2015 PMID: 25741868, with internal and published modifications).

Labcorp Genetics (formerly Invitae), Labcorp
Classification: Likely benign for Marfan syndrome; Familial thoracic aortic aneurysm and aortic dissection. Last evaluated: 2025-11-13. Review status: criteria provided, single submitter. Criteria: Invitae Variant Classification Sherloc (09022015). Collection method: clinical testing. Allele origin: germline.

Blueprint Genetics
Classification: Likely benign. Last evaluated: 2024-10-25. Review status: criteria provided, single submitter. Criteria: ACMG Guidelines, 2015. Collection method: clinical testing. Allele origin: germline.

All of Us Research Program, National Institutes of Health
Classification: Likely benign for Marfan syndrome. Last evaluated: 2023-12-18. Review status: criteria provided, single submitter. Criteria: ACMG Guidelines, 2015. Collection method: clinical testing. Allele origin: germline. Inheritance: Autosomal dominant inheritance. Observed: 17 variant alleles, 17 heterozygotes.
Comment: This study involves interpretation of variants in research participants for the purpose of population health screening. Participant phenotype was not available at the time of variant classification. Additional details can be found in publication PMID: 35346344, PMCID: PMC8962531

CHEO Genetics Diagnostic Laboratory, Children's Hospital of Eastern Ontario
Classification: Likely benign for Familial thoracic aortic aneurysm and aortic dissection. Last evaluated: 2020-11-24. Review status: criteria provided, single submitter. Criteria: ACMG Guidelines, 2015. Collection method: clinical testing. Allele origin: germline.

GeneDx
Classification: Likely benign. Last evaluated: 2019-09-05. Review status: criteria provided, single submitter. Criteria: GeneDx Variant Classification Process June 2021. Collection method: clinical testing. Allele origin: germline. Affected: yes.

Color Diagnostics, LLC DBA Color Health
Classification: Likely benign for Familial thoracic aortic aneurysm and aortic dissection. Last evaluated: 2018-10-26. Review status: criteria provided, single submitter. Criteria: ACMG Guidelines, 2015. Collection method: clinical testing. Allele origin: germline.

Women's Health and Genetics/Laboratory Corporation of America, LabCorp
Classification: Likely benign. Last evaluated: 2017-03-23. Review status: criteria provided, single submitter. Criteria: LabCorp Variant Classification Summary - May 2015. Collection method: clinical testing. Allele origin: germline.
Comment: Variant summary: The FBN1 c.3464-6C>T variant involves the alteration of a non-conserved intronic nucleotide. Mutation Taster predicts a benign outcome for this variant. 5/5 splice prediction tools predict no significant impact on normal splicing. These predictions have yet to be confirmed by functional studies. This variant was found in 16/121370 control chromosomes from ExAC at a frequency of 0.0001318, which is higher than the estimated maximal expected allele frequency of a pathogenic FBN1 variant (0.0001125), suggesting this variant is likely a benign polymorphism. The variant of interest has not, to our knowledge, been reported in affected individuals via publications. One clinical lab has classified it as variant of uncertain significance. Another similar variant c.3464-5C>T variant has been classified as benign by our laboratory. Taken together, this variant is currently classified as likely benign.

Eurofins Ntd Llc (ga)
Classification: Uncertain significance. Last evaluated: 2015-06-08. Review status: criteria provided, single submitter. Criteria: EGL Classification Definitions 2015. Collection method: clinical testing. Allele origin: germline. Observed: 1 variant allele, 1 heterozygote.